The following is an entry in ClinVar:

ClinVar aggregate classification (germline): Benign/Likely benign. Review status: criteria provided, multiple submitters, no conflicts (2 of 4 stars). 10 submissions from 9 submitters: Benign (2); Likely benign (5). 3 of the submissions do not count toward it. Last evaluated 2026-02-03.

Conditions:
Tuberous sclerosis syndrome (TSC). Also called: Tuberous Sclerosis Complex; Tuberous sclerosis. Identifiers: Orphanet 805, MedGen C0041341, MONDO:0001734.
Hereditary cancer-predisposing syndrome. Also called: Neoplastic Syndromes, Hereditary; Tumor predisposition; Hereditary Cancer Syndrome; Hereditary neoplastic syndrome. Identifiers: Orphanet 140162, MedGen C0027672, MeSH D009386, MONDO:0015356.
Lymphangiomyomatosis (LAM). Also called: Lymphangioleiomyomatosis; Lymphangioleiomyomatosis, somatic. Identifiers: Orphanet 538, MedGen C0751674, MONDO:0011705, OMIM 606690.
Tuberous sclerosis 2 (TSC2). Identifiers: Orphanet 805, MedGen C1860707, MONDO:0013199, OMIM 613254.

Allele frequency attached by ClinVar (database versions not stated): ExAC 0.00002; gnomAD exomes 0.00002 and 0.00003; TOPMed 0.00003; gnomAD 0.00004 and 0.00005; ESP Exome Variant Server 0.00015; 1000 Genomes Project 30x 0.00016; 1000 Genomes Project 0.00020.
gnomAD v4.1: 53 of 1,613,678 alleles (0.0033%); highest among the groups gnomAD compares: Non-Finnish European, 0.004%; no homozygotes.

Submissions (10):

Labcorp Genetics (formerly Invitae), Labcorp
Classification: Benign for Tuberous sclerosis 2. Last evaluated: 2026-02-03. Review status: criteria provided, single submitter. Criteria: Invitae Variant Classification Sherloc (09022015). Collection method: clinical testing. Allele origin: germline.

Color Diagnostics, LLC DBA Color Health
Classification: Likely benign for Tuberous sclerosis syndrome. Last evaluated: 2022-09-20. Review status: criteria provided, single submitter. Criteria: ACMG Guidelines, 2015. Collection method: clinical testing. Allele origin: germline.

Genome-Nilou Lab
Classification: Benign for Tuberous sclerosis 2. Last evaluated: 2021-11-07. Review status: criteria provided, single submitter. Criteria: ACMG Guidelines, 2015. Collection method: clinical testing. Allele origin: germline. Affected: no.

Sema4
Classification: Likely benign for Hereditary cancer-predisposing syndrome. Last evaluated: 2021-09-25. Review status: criteria provided, single submitter. Criteria: Sema4 Curation Guidelines. Collection method: curation. Allele origin: germline.

GeneDx
Classification: Likely benign. Last evaluated: 2021-04-12. Review status: criteria provided, single submitter. Criteria: GeneDx Variant Classification Process June 2021. Collection method: clinical testing. Allele origin: germline. Affected: yes.
Comment: This variant is associated with the following publications: (PMID: 14993219, 24055113, 11208653, 15483652, 25637381, 25088526, 11741832, 21309039, 10533067)

Ambry Genetics
Classification: Likely benign for Hereditary cancer-predisposing syndrome. Last evaluated: 2018-06-25. Review status: criteria provided, single submitter. Criteria: Ambry Variant Classification Scheme 2023. Collection method: clinical testing. Allele origin: germline.

PreventionGenetics, part of Exact Sciences
Classification: Likely benign. Review status: criteria provided, single submitter. Criteria: ACMG Guidelines, 2015. Collection method: clinical testing. Allele origin: germline.

CSER _CC_NCGL, University of Washington
Classification: Uncertain significance for Tuberous sclerosis. Last evaluated: 2014-06-01. Review status: no assertion criteria provided. Collection method: research. Allele origin: germline. Inheritance: Autosomal dominant inheritance. Study: ESP 6500 variant annotation. Not counted in ClinVar's aggregate classification.
Comment: Variants classified for the Actionable exomic incidental findings in 6503 participants: challenges of variant classification manuscript

Tuberous sclerosis database (TSC2)
No classification provided. Condition: TSC. Review status: no classification provided. Criteria: Tuberous Sclerosis Database Assertion Criteria 2015. Collection method: curation. Allele origin: germline. Affected: yes. Not counted in ClinVar's aggregate classification.

Tuberous sclerosis database (TSC2)
No classification provided. Condition: TSC; LAM. Review status: no classification provided. Criteria: Tuberous Sclerosis Database Assertion Criteria 2015. Collection method: curation. Allele origin: germline. Affected: yes. Not counted in ClinVar's aggregate classification.

Literature cited by the submitters: PubMed 10533067 (cited by Ambry Genetics); PubMed 11208653 (cited by Ambry Genetics); PubMed 11741832 (cited by Ambry Genetics); PubMed 12086608 (cited by Ambry Genetics); PubMed 14993219 (cited by Ambry Genetics); PubMed 15483652 (cited by Ambry Genetics); PubMed 21309039 (cited by Ambry Genetics); PubMed 24055113 (cited by Ambry Genetics); PubMed 25088526 (cited by Ambry Genetics); PubMed 25637381 (cited by Ambry Genetics).

NM_000548.5(TSC2):c.1574A>G (p.Asn525Ser)

Gene: TSC2 (TSC complex subunit 2; plus strand). Cytogenetic location: 16p13.3.
Variant type: single nucleotide variant.
Coding change: c.1574A>G on transcript NM_000548.5 (MANE Select); coding-DNA position 1574, A replaced by G.
Protein change: p.Asn525Ser; replaces asparagine 525 with serine.
Molecular consequence: missense variant.
Genome position (GRCh38, 1-based): chr16:2,064,402, A>G. VCF-style: chr16-2064402-A-G. GRCh37 (hg19) VCF-style: chr16-2114403-A-G.
Other names: c.1574A>G, p.Asn525Ser (NM_001077183.3, NM_001114382.3, NM_001363528.2 and 3 more transcripts); c.1463A>G, p.Asn488Ser (NM_001318827.2); c.1427A>G, p.Asn476Ser (NM_001318829.2); c.974A>G, p.Asn325Ser (NM_001318831.2); c.1607A>G, p.Asn536Ser (NM_001318832.2); short protein forms N525S, N536S, N488S, N325S, N476S.
Identifiers: ClinVar variation 49681 (VCV000049681.20), dbSNP rs45457694, ClinGen allele CA015117.